The following is an entry in ClinVar:

NM_021020.5(LZTS1):c.628G>A (p.Ala210Thr)

Gene: LZTS1 (leucine zipper tumor suppressor 1; minus strand). Cytogenetic location: 8p21.3.
Variant type: single nucleotide variant.
Coding change: c.628G>A on transcript NM_021020.5 (MANE Select); coding-DNA position 628, G replaced by A.
Protein change: p.Ala210Thr; replaces alanine 210 with threonine.
Molecular consequence: missense variant.
Genome position (GRCh38, 1-based): chr8:20,253,303, C>T on the plus strand (G>A on the coding strand, the complement: LZTS1 is on the minus strand). VCF-style: chr8-20253303-C-T. GRCh37 (hg19) VCF-style: chr8-20110814-C-T.
Other names: c.628G>A, p.Ala210Thr (NM_001362884.2); c.628G>A (NM_021020.2); short protein forms A210T.
Identifiers: ClinVar variation 2178945 (VCV002178945.5), dbSNP rs749222027, ClinGen allele CA4657478.

ClinVar aggregate classification (germline): Uncertain significance. Review status: criteria provided, multiple submitters, no conflicts (2 of 4 stars). 2 submissions from 2 submitters: Uncertain significance (2). Last evaluated 2025-10-29.

Allele frequency attached by ClinVar (database versions not stated): gnomAD exomes below 0.00001; ExAC 0.00002; gnomAD 0.00002; TOPMed 0.00002.
gnomAD v4.1: 9 of 1,613,874 alleles (0.00056%); highest among the groups gnomAD compares: African/African-American, 0.0027%; no homozygotes.

Submissions (2):

Ambry Genetics
Classification: Uncertain significance. Last evaluated: 2025-10-29. Review status: criteria provided, single submitter. Criteria: Ambry Variant Classification Scheme 2023. Collection method: clinical testing. Allele origin: germline.

Labcorp Genetics (formerly Invitae), Labcorp
Classification: Uncertain significance. Last evaluated: 2024-09-17. Review status: criteria provided, single submitter. Criteria: Invitae Variant Classification Sherloc (09022015). Collection method: clinical testing. Allele origin: germline.
Comment: This sequence change replaces alanine, which is neutral and non-polar, with threonine, which is neutral and polar, at codon 210 of the LZTS1 protein (p.Ala210Thr). This variant is present in population databases (rs749222027, gnomAD 0.009%). This variant has not been reported in the literature in individuals affected with LZTS1-related conditions. ClinVar contains an entry for this variant (Variation ID: 2178945). Invitae Evidence Modeling of protein sequence and biophysical properties (such as structural, functional, and spatial information, amino acid conservation, physicochemical variation, residue mobility, and thermodynamic stability) indicates that this missense variant is not expected to disrupt LZTS1 protein function with a negative predictive value of 80%. In summary, the available evidence is currently insufficient to determine the role of this variant in disease. Therefore, it has been classified as a Variant of Uncertain Significance.